The following is an entry in ClinVar:

NM_006947.4(SRP72):c.810C>G (p.Ile270Met)

Gene: SRP72 (signal recognition particle 72; plus strand). Cytogenetic location: 4q12.
Variant type: single nucleotide variant.
Coding change: c.810C>G on transcript NM_006947.4 (MANE Select); coding-DNA position 810, C replaced by G.
Protein change: p.Ile270Met; replaces isoleucine 270 with methionine.
Molecular consequence: missense variant. On other transcripts: non-coding transcript variant (1), intron variant (1).
Genome position (GRCh38, 1-based): chr4:56,478,634, C>G. VCF-style: chr4-56478634-C-G. GRCh37 (hg19) VCF-style: chr4-57344800-C-G.
Other names: c.642+1932C>G (NM_001267722.2); short protein forms I270M.
Identifiers: ClinVar variation 3801521 (VCV003801521.1).

ClinVar aggregate classification (germline): Uncertain significance (1 of 4 stars; one submission).

Submission:

Ambry Genetics
Classification: Uncertain significance. Last evaluated: 2025-03-09. Review status: criteria provided, single submitter. Criteria: Ambry Variant Classification Scheme 2023. Collection method: clinical testing. Allele origin: germline.
Comment: The p.I270M variant (also known as c.810C>G), located in coding exon 8 of the SRP72 gene, results from a C to G substitution at nucleotide position 810. The isoleucine at codon 270 is replaced by methionine, an amino acid with highly similar properties. This amino acid position is conserved. In addition, the in silico prediction for this alteration is inconclusive. Based on the available evidence, the clinical significance of this variant remains unclear.